The following is an entry in ClinVar:

NM_001375524.1(TRRAP):c.8596G>T (p.Val2866Leu)

Gene: TRRAP (transformation/transcription domain associated protein; plus strand). Cytogenetic location: 7q22.1.
Variant type: single nucleotide variant.
Coding change: c.8596G>T on transcript NM_001375524.1 (MANE Select); coding-DNA position 8596, G replaced by T.
Protein change: p.Val2866Leu; replaces valine 2866 with leucine.
Molecular consequence: missense variant.
Genome position (GRCh38, 1-based): chr7:98,978,866, G>T. VCF-style: chr7-98978866-G-T. GRCh37 (hg19) VCF-style: chr7-98576489-G-T.
Other names: c.8575G>T, p.Val2859Leu (NM_001244580.2); c.8521G>T, p.Val2841Leu (NM_003496.4); short protein forms V2841L, V2859L, V2866L.
Identifiers: ClinVar variation 3376225 (VCV003376225.1).

ClinVar aggregate classification (germline): Uncertain significance (1 of 4 stars; one submission).

Conditions:
Developmental delay with or without dysmorphic facies and autism. Identifiers: MedGen C5193106, MONDO:0032760, OMIM 618454.

Submission:

Pittsburgh Clinical Genomics Laboratory, University of Pittsburgh Medical Center
Classification: Uncertain significance for Developmental delay with or without dysmorphic facies and autism. Last evaluated: 2022-05-25. Review status: criteria provided, single submitter. Criteria: ACMG Guidelines, 2015. Collection method: clinical testing. Allele origin: germline. Inheritance: Autosomal dominant inheritance. Affected: yes.
Comment: This sequence variant is a single nucleotide substitution (G>T) at position 8521 of the coding sequence of the TRRAP gene that results in a valine to leucine amino acid change at residue 2841 of the TRRAP protein. This variant is absent from online datasets of clinically annotated variants (ClinVar) and has not been observed in an individual with a TRRAP-related disorder in the published literature, to our knowledge. This variant is absent from control population datasets (gnomAD database, 0 of approximately 250,000 alleles). Multiple bioinformatic tools predict that this valine to leucine amino acid change would be damaging, and the Val2841 residue is strongly conserved across the vertebrate species examined. Studies examining the functiol consequence of this variant have not been published, to our knowledge. At this time, there is insufficient evidence to determine if this variant is pathogenic or benign. Therefore, we consider this a variant of uncertain significance. ACMG Criteria: PM2, PP3